The following is an entry in ClinVar:

ClinVar aggregate classification (germline): Uncertain significance. Review status: criteria provided, multiple submitters, no conflicts (2 of 4 stars). 2 submissions from 2 submitters: Uncertain significance (2). Last evaluated 2024-04-04.

Conditions:
Gorlin syndrome. Also called: Nevoid Basal Cell Carcinoma Syndrome; Basal cell nevus syndrome. Identifiers: Orphanet 377, MedGen C0004779, MONDO:0007187.
Hereditary cancer-predisposing syndrome. Also called: Neoplastic Syndromes, Hereditary; Hereditary neoplastic syndrome; Tumor predisposition; Hereditary Cancer Syndrome. Identifiers: Orphanet 140162, MedGen C0027672, MeSH D009386, MONDO:0015356.

Allele frequency attached by ClinVar (database versions not stated): gnomAD exomes below 0.00001; 1000 Genomes Project 30x 0.00016.
gnomAD v4.1: 1 of 1,614,208 alleles (0.000062%); highest among the groups gnomAD compares: African/African-American, 0.0013%; no homozygotes.

Submissions (2):

Ambry Genetics
Classification: Uncertain significance for Hereditary cancer-predisposing syndrome. Last evaluated: 2024-04-04. Review status: criteria provided, single submitter. Criteria: Ambry Variant Classification Scheme 2023. Collection method: clinical testing. Allele origin: germline.
Comment: The p.V411I variant (also known as c.1231G>A), located in coding exon 9 of the PTCH1 gene, results from a G to A substitution at nucleotide position 1231. The valine at codon 411 is replaced by isoleucine, an amino acid with highly similar properties. This amino acid position is highly conserved in available vertebrate species. In addition, this alteration is predicted to be tolerated by in silico analysis. Based on the available evidence, the clinical significance of this variant remains unclear.

Labcorp Genetics (formerly Invitae), Labcorp
Classification: Uncertain significance for Gorlin syndrome. Last evaluated: 2023-11-06. Review status: criteria provided, single submitter. Criteria: Invitae Variant Classification Sherloc (09022015). Collection method: clinical testing. Allele origin: germline.
Comment: This sequence change replaces valine, which is neutral and non-polar, with isoleucine, which is neutral and non-polar, at codon 411 of the PTCH1 protein (p.Val411Ile). This variant is not present in population databases (gnomAD no frequency). This variant has not been reported in the literature in individuals affected with PTCH1-related conditions. ClinVar contains an entry for this variant (Variation ID: 1931490). Advanced modeling of protein sequence and biophysical properties (such as structural, functional, and spatial information, amino acid conservation, physicochemical variation, residue mobility, and thermodynamic stability) performed at Invitae indicates that this missense variant is not expected to disrupt PTCH1 protein function with a negative predictive value of 95%. In summary, the available evidence is currently insufficient to determine the role of this variant in disease. Therefore, it has been classified as a Variant of Uncertain Significance.

NM_000264.5(PTCH1):c.1231G>A (p.Val411Ile)

Gene: PTCH1 (patched 1; minus strand). Cytogenetic location: 9q22.32.
Variant type: single nucleotide variant.
Coding change: c.1231G>A on transcript NM_000264.5 (MANE Select); coding-DNA position 1231, G replaced by A.
Protein change: p.Val411Ile; replaces valine 411 with isoleucine.
Molecular consequence: missense variant. On other transcripts: non-coding transcript variant (1).
Genome position (GRCh38, 1-based): chr9:95,478,171, C>T on the plus strand (G>A on the coding strand, the complement: PTCH1 is on the minus strand). VCF-style: chr9-95478171-C-T. GRCh37 (hg19) VCF-style: chr9-98240453-C-T.
Other names: c.1033G>A, p.Val345Ile (NM_001083602.3); c.1228G>A, p.Val410Ile (NM_001083603.3); c.778G>A, p.Val260Ile (NM_001083604.3, NM_001083605.3, NM_001083606.3 and 1 more transcripts); c.1231G>A, p.Val411Ile (NM_001354918.2); short protein forms V345I, V260I, V410I, V411I.
Identifiers: ClinVar variation 1931490 (VCV001931490.5), dbSNP rs2118338879, ClinGen allele CA374118954.
Genomic context (GRCh38, chr9:95,478,171, plus strand): 5'-GGATGTCGTCCAGGGTCGTGGTGGTGAAGGAAAGCACCTTTTGAGTGGAGTTCTGTGCGA[C>T]ACTCTGATGAACCACCTGTGGTCACAACAGAATGCGAAATGCCCAAATGCAATGAACACT-3'
Protein context (NP_000255.2, residues 401-421): RTYVEVVHQS[Val411Ile]AQNSTQKVLS